The following is an entry in ClinVar:

ClinVar aggregate classification (germline): Uncertain significance (1 of 4 stars; one submission).

Conditions:
Charcot-Marie-Tooth disease axonal type 2O. Also called: CHARCOT-MARIE-TOOTH NEUROPATHY, AXONAL, TYPE 2O; CHARCOT-MARIE-TOOTH DISEASE, AXONAL, AUTOSOMAL DOMINANT, TYPE 2O; Charcot-Marie-Tooth Neuropathy Type 2O; Charcot-Marie-Tooth disease, axonal, type 20. Identifiers: Orphanet 284232, MedGen C3280220, MONDO:0013644, OMIM 614228.

Submission:

Labcorp Genetics (formerly Invitae), Labcorp
Classification: Uncertain significance for Charcot-Marie-Tooth disease axonal type 2O. Last evaluated: 2023-09-08. Review status: criteria provided, single submitter. Criteria: Invitae Variant Classification Sherloc (09022015). Collection method: clinical testing. Allele origin: germline.
Comment: In summary, the available evidence is currently insufficient to determine the role of this variant in disease. Therefore, it has been classified as a Variant of Uncertain Significance. Advanced modeling of protein sequence and biophysical properties (such as structural, functional, and spatial information, amino acid conservation, physicochemical variation, residue mobility, and thermodynamic stability) has been performed at Invitae for this missense variant, however the output from this modeling did not meet the statistical confidence thresholds required to predict the impact of this variant on DYNC1H1 protein function. This variant has not been reported in the literature in individuals affected with DYNC1H1-related conditions. This variant is not present in population databases (gnomAD no frequency). This sequence change replaces valine, which is neutral and non-polar, with leucine, which is neutral and non-polar, at codon 1750 of the DYNC1H1 protein (p.Val1750Leu).

NM_001376.5(DYNC1H1):c.5248G>T (p.Val1750Leu)

Gene: DYNC1H1 (dynein cytoplasmic 1 heavy chain 1; plus strand). Cytogenetic location: 14q32.31.
Variant type: single nucleotide variant.
Coding change: c.5248G>T on transcript NM_001376.5 (MANE Select); coding-DNA position 5248, G replaced by T.
Protein change: p.Val1750Leu; replaces valine 1750 with leucine.
Molecular consequence: missense variant.
Genome position (GRCh38, 1-based): chr14:102,005,051, G>T. VCF-style: chr14-102005051-G-T. GRCh37 (hg19) VCF-style: chr14-102471388-G-T.
Other names: short protein forms V1750L.
Identifiers: ClinVar variation 2759168 (VCV002759168.3), dbSNP rs199740595, ClinGen allele CA391046030.
Genomic context (GRCh38, chr14:102,005,051, plus strand): 5'-CAGACCAATCTTTAAAATGATCCTTTGGGATCTTGTTTCTGTGTCTTTCAGGCCCAGCTT[G>T]TGGTTTTGTCAGCCCAGATAGCCTGGTCTGAGAACGTGGAGACCGCACTGAGCAGCATGG-3'
Protein context (NP_001367.2, residues 1740-1760): TWIDKYQAQL[Val1750Leu]VLSAQIAWSE